The following is an entry in ClinVar:

ClinVar aggregate classification (germline): Conflicting classifications of pathogenicity. Review status: criteria provided, conflicting classifications (1 of 4 stars). 8 submissions from 8 submitters: Pathogenic (2); Likely pathogenic (3); Uncertain significance (1). 2 of the submissions do not count toward it. Last evaluated 2024-11-06.

Conditions:
Autosomal dominant nonsyndromic hearing loss 20. Identifiers: Orphanet 90635, MedGen C1858172, MONDO:0011480, OMIM 604717.
ACTG1-related disorder. Also called: ACTG1-related disorders; ACTG1-related condition.

Allele frequency attached by ClinVar (database versions not stated): gnomAD exomes below 0.00001.
gnomAD v4.1: 1 of 1,613,952 alleles (0.000062%); highest among the groups gnomAD compares: Non-Finnish European, 0.000085%; no homozygotes.

Submissions (8):

GeneDx
Classification: Pathogenic. Last evaluated: 2024-11-06. Review status: criteria provided, single submitter. Criteria: GeneDx Variant Classification Process June 2021. Collection method: clinical testing. Allele origin: germline. Affected: yes.
Comment: Not observed at significant frequency in large population cohorts (gnomAD); Missense variants in this gene are a common cause of disease and they are underrepresented in the general population; In silico analysis supports that this missense variant has a deleterious effect on protein structure/function; This variant is associated with the following publications: (PMID: 38592426, 36205783)

Blueprint Genetics
Classification: Likely pathogenic for ACTG1-related disorders. Last evaluated: 2023-05-04. Review status: criteria provided, single submitter. Criteria: ACMG Guidelines, 2015. Collection method: clinical testing. Allele origin: germline. Affected: yes. Observed: 1 variant allele.

3billion
Classification: Pathogenic for Autosomal dominant nonsyndromic hearing loss 20. Last evaluated: 2022-09-01. Review status: criteria provided, single submitter. Criteria: ACMG Guidelines, 2015. Collection method: clinical testing. Allele origin: germline. Affected: yes. Observed: 1 heterozygote.
Comment: The variant is not observed in the gnomAD v2.1.1 dataset. Missense changes are a common disease-causing mechanism. In silico tool predictions suggest damaging effect of the variant on gene or gene product (REVEL: 0.93; 3Cnet: 1.00). Same nucleotide change resulting in same amino acid change (ClinVar ID: VCV000561396) and a different missense change at the same codon (p.Arg335His/ ClinVar ID: VCV000520655 ) have been previously reported as pathogenic/likely pathogenic with strong evidence. Therefore, this variant is classified as Pathogenic according to the recommendation of ACMG/AMP guideline.

CeGaT Center for Human Genetics Tuebingen
Classification: Likely pathogenic. Last evaluated: 2021-05-01. Review status: criteria provided, single submitter. Criteria: CeGaT Center For Human Genetics Tuebingen Variant Classification Criteria Version 2. Collection method: clinical testing. Allele origin: germline. Affected: yes. Observed: 1 variant allele.

Revvity Omics, Revvity
Classification: Uncertain significance. Last evaluated: 2020-11-24. Review status: criteria provided, single submitter. Criteria: ACMG Guidelines, 2015. Collection method: clinical testing. Allele origin: germline.

Baylor Genetics
Classification: Likely pathogenic for Autosomal dominant nonsyndromic hearing loss 20. Last evaluated: 2018-03-21. Review status: criteria provided, single submitter. Criteria: ACMG Guidelines, 2015. Collection method: clinical testing. Allele origin: de novo. Affected: yes.
Comment: This variant was determined to be likely pathogenic according to ACMG Guidelines, 2015 [PMID:25741868]. A similar variant affecting the same amino acid, c.1004G>A (p.R335H), has been previously reported as de novo in one patient with Baraitser-Winter cerebrofrontofacial syndrome [PMID: 27240540]

Clinical Genetics DNA and cytogenetics Diagnostics Lab, Erasmus MC, Erasmus Medical Center
Classification: Likely pathogenic. Review status: no assertion criteria provided. Collection method: clinical testing. Allele origin: germline. Affected: yes. Study: VKGL Data-share Consensus. Not counted in ClinVar's aggregate classification.

Joint Genome Diagnostic Labs from Nijmegen and Maastricht, Radboudumc and MUMC+
Classification: Pathogenic. Review status: no assertion criteria provided. Collection method: clinical testing. Allele origin: germline. Affected: yes. Study: VKGL Data-share Consensus. Not counted in ClinVar's aggregate classification.

Literature cited by the submitters: PubMed 27240540 (cited by Baylor Genetics).

NM_001614.5(ACTG1):c.1003C>T (p.Arg335Cys)

Gene: ACTG1 (actin gamma 1; minus strand). Cytogenetic location: 17q25.3.
Variant type: single nucleotide variant.
Coding change: c.1003C>T on transcript NM_001614.5 (MANE Select); coding-DNA position 1003, C replaced by T.
Protein change: p.Arg335Cys; replaces arginine 335 with cysteine.
Molecular consequence: missense variant. On other transcripts: non-coding transcript variant (1).
Genome position (GRCh38, 1-based): chr17:81,510,815, G>A on the plus strand (C>T on the coding strand, the complement: ACTG1 is on the minus strand). VCF-style: chr17-81510815-G-A. GRCh37 (hg19) VCF-style: chr17-79477841-G-A.
Other names: c.1003C>T, p.Arg335Cys (NM_001199954.3); short protein forms R335C.
Identifiers: ClinVar variation 561396 (VCV000561396.50), dbSNP rs1568060200, ClinGen allele CA401458581.